The following is an entry in ClinVar:

ClinVar aggregate classification (germline): Likely benign. Review status: criteria provided, multiple submitters, no conflicts (2 of 4 stars). 3 submissions from 3 submitters: Likely benign (2). 1 of the submissions does not count toward it. Last evaluated 2024-06-24.

Conditions:
AFF3-related disorder. Also called: AFF3-related condition.

Allele frequency attached by ClinVar (database versions not stated): ESP Exome Variant Server 0.00015; gnomAD 0.00015; 1000 Genomes Project 30x 0.00016; 1000 Genomes Project 0.00020; ExAC 0.00031.
gnomAD v4.1: 475 of 1,614,058 alleles (0.029%); highest among the groups gnomAD compares: Non-Finnish European, 0.037%; 1 homozygote.

Submissions (3):

Blueprint Genetics
Classification: Likely benign. Last evaluated: 2024-06-24. Review status: criteria provided, single submitter. Criteria: ACMG Guidelines, 2015. Collection method: clinical testing. Allele origin: germline.

CeGaT Center for Human Genetics Tuebingen
Classification: Likely benign. Last evaluated: 2022-11-01. Review status: criteria provided, single submitter. Criteria: CeGaT Center For Human Genetics Tuebingen Variant Classification Criteria Version 2. Collection method: clinical testing. Allele origin: germline. Affected: yes. Observed: 1 variant allele.
Comment: AFF3: BP4, BP7

PreventionGenetics, part of Exact Sciences
Classification: Likely benign for AFF3-related condition. Last evaluated: 2020-01-27. Review status: no assertion criteria provided. Collection method: clinical testing. Allele origin: germline. Not counted in ClinVar's aggregate classification.
Comment: This variant is classified as likely benign based on ACMG/AMP sequence variant interpretation guidelines (Richards et al. 2015 PMID: 25741868, with internal and published modifications).

NM_001386135.1(AFF3):c.354C>A (p.Ala118=)

Gene: AFF3 (ALF transcription elongation factor 3; minus strand). Cytogenetic location: 2q11.2.
Variant type: single nucleotide variant.
Coding change: c.354C>A on transcript NM_001386135.1 (MANE Select); coding-DNA position 354, C replaced by A.
Protein change: p.Ala118=; no amino-acid change (alanine 118 retained).
Molecular consequence: synonymous variant.
Genome position (GRCh38, 1-based): chr2:100,007,281, G>T on the plus strand (C>A on the coding strand, the complement: AFF3 is on the minus strand). VCF-style: chr2-100007281-G-T. GRCh37 (hg19) VCF-style: chr2-100623743-G-T.
Other names: c.429C>A, p.Ala143= (NM_001025108.2); c.354C>A, p.Ala118= (NM_002285.3); c.354C>A (NM_002285.2).
Identifiers: ClinVar variation 2651204 (VCV002651204.26), dbSNP rs138245031, ClinGen allele CA1801528.